The following is an entry in ClinVar:

NM_000368.5(TSC1):c.1788del (p.Phe596fs)

Gene: TSC1 (TSC complex subunit 1; minus strand). Cytogenetic location: 9q34.13.
Variant type: Deletion.
Coding change: c.1788del on transcript NM_000368.5 (MANE Select); coding-DNA position 1788, one base deleted (T; older notation c.1788delT).
Protein change: p.Phe596fs; shifts the reading frame from phenylalanine 596.
Molecular consequence: frameshift variant.
Genome position (GRCh38, 1-based): chr9:132,905,790, A deleted on the plus strand (T on the coding strand, the reverse complement: TSC1 is on the minus strand); the first of 3 consecutive A bases (chr9:132,905,790-132,905,792); deleting any one gives the same sequence. VCF-style (leftmost placement, unchanged base first): chr9-132905789-CA-C. GRCh37 (hg19) VCF-style: chr9-135781176-CA-C.
Other names: c.1785del, p.Phe595fs (NM_001162426.2); c.1635del, p.Phe545fs (NM_001162427.2); c.1425del, p.Phe475fs (NM_001362177.2); c.1788delT (NM_000368.4); c.1788del (NM_000368.4); short protein forms F596fs, F545fs, F475fs, F595fs.
Identifiers: ClinVar variation 48835 (VCV000048835.2), dbSNP rs118203582, ClinGen allele CA005412.

ClinVar aggregate classification (germline): Pathogenic. Review status: criteria provided, single submitter (1 of 4 stars). 2 submissions from 2 submitters: Pathogenic (1). 1 of the submissions does not count toward it. Last evaluated 2022-11-18.

Conditions:
Tuberous sclerosis syndrome (TSC). Also called: Tuberous Sclerosis Complex; Tuberous sclerosis. Identifiers: Orphanet 805, MedGen C0041341, MONDO:0001734.

Submissions (2):

GeneDx
Classification: Pathogenic. Last evaluated: 2022-11-18. Review status: criteria provided, single submitter. Criteria: GeneDx Variant Classification Process June 2021. Collection method: clinical testing. Allele origin: germline. Affected: yes.
Comment: Identified in a patient with tuberous sclerosis complex in the published literature (van Slegtenhorst et al., 1997); Frameshift variant predicted to result in protein truncation or nonsense mediated decay in a gene for which loss of function is a known mechanism of disease; Not observed at significant frequency in large population cohorts (gnomAD); This variant is associated with the following publications: (PMID: 15798777, 9242607, 18772611, 10227394)

Tuberous sclerosis database (TSC1)
No classification provided. Condition: TSC. Review status: no classification provided. Criteria: Tuberous Sclerosis Database Assertion Criteria 2015. Collection method: curation. Allele origin: germline. Affected: yes. Not counted in ClinVar's aggregate classification.